The following is an entry in ClinVar:

NM_001184.4(ATR):c.7724C>A (p.Ala2575Glu)

Gene: ATR (ATR checkpoint kinase; minus strand). Cytogenetic location: 3q23.
Variant type: single nucleotide variant.
Coding change: c.7724C>A on transcript NM_001184.4 (MANE Select); coding-DNA position 7724, C replaced by A.
Protein change: p.Ala2575Glu; replaces alanine 2575 with glutamic acid.
Molecular consequence: missense variant.
Genome position (GRCh38, 1-based): chr3:142,453,165, G>T on the plus strand (C>A on the coding strand, the complement: ATR is on the minus strand). VCF-style: chr3-142453165-G-T. GRCh37 (hg19) VCF-style: chr3-142172007-G-T.
Other names: c.7532C>A, p.Ala2511Glu (NM_001354579.2); short protein forms A2575E, A2511E.
Identifiers: ClinVar variation 1760325 (VCV001760325.2), dbSNP rs762196224, ClinGen allele CA354794088.
Genomic context (GRCh38, chr3:142,453,165, plus strand): 5'-ATCAAGCTATACCTTCTACTAACCTTTTCATTGACAACTTCTCCAGTTTCATTCAGTGGC[G>T]CTTTGGAATGCCCTTTCACTGGTTTACTCCATTCCACAAGAGGATCATGTAGAAAAGTCT-3'
Protein context (NP_001175.2, residues 2565-2585): WSKPVKGHSK[Ala2575Glu]PLNETGEVVN

ClinVar aggregate classification (germline): Uncertain significance (1 of 4 stars; one submission).

Conditions:
Inborn genetic diseases. Identifiers: MedGen C0950123, MeSH D030342.

gnomAD v4.1: 1 of 1,614,006 alleles (0.000062%); no homozygotes.

Submission:

Ambry Genetics
Classification: Uncertain significance for Inborn genetic diseases. Last evaluated: 2021-12-20. Review status: criteria provided, single submitter. Criteria: Ambry Variant Classification Scheme 2023. Collection method: clinical testing. Allele origin: germline.
Comment: The p.A2575E variant (also known as c.7724C>A), located in coding exon 46 of the ATR gene, results from a C to A substitution at nucleotide position 7724. The alanine at codon 2575 is replaced by glutamic acid, an amino acid with dissimilar properties. This amino acid position is conserved. In addition, this alteration is predicted to be tolerated by in silico analysis. Since supporting evidence is limited at this time, the clinical significance of this alteration remains unclear.